The following is an entry in ClinVar:

ClinVar aggregate classification (germline): Uncertain significance (1 of 4 stars; one submission).

Conditions:
Congenital muscular hypertrophy-cerebral syndrome (CDLS2). Also called: SMC1A-Related Cornelia de Lange Syndrome; Cornelia de Lange syndrome 2. Identifiers: Orphanet 199, MedGen C1802395, MONDO:0010370, OMIM 300590.

Allele frequency attached by ClinVar (database versions not stated): TOPMed below 0.00001; gnomAD 0.00001.

Submission:

Labcorp Genetics (formerly Invitae), Labcorp
Classification: Uncertain significance for Congenital muscular hypertrophy-cerebral syndrome. Last evaluated: 2022-11-03. Review status: criteria provided, single submitter. Criteria: Invitae Variant Classification Sherloc (09022015). Collection method: clinical testing. Allele origin: germline.
Comment: This variant is not present in population databases (gnomAD no frequency). In summary, the available evidence is currently insufficient to determine the role of this variant in disease. Therefore, it has been classified as a Variant of Uncertain Significance. Advanced modeling of protein sequence and biophysical properties (such as structural, functional, and spatial information, amino acid conservation, physicochemical variation, residue mobility, and thermodynamic stability) performed at Invitae indicates that this missense variant is not expected to disrupt SMC1A protein function. This variant has not been reported in the literature in individuals affected with SMC1A-related conditions. This sequence change replaces arginine, which is basic and polar, with histidine, which is basic and polar, at codon 1019 of the SMC1A protein (p.Arg1019His).

NM_006306.4(SMC1A):c.3056G>A (p.Arg1019His)

Gene: SMC1A (structural maintenance of chromosomes 1A; minus strand). Cytogenetic location: Xp11.22.
Variant type: single nucleotide variant.
Coding change: c.3056G>A on transcript NM_006306.4 (MANE Select); coding-DNA position 3056, G replaced by A.
Protein change: p.Arg1019His; replaces arginine 1019 with histidine.
Molecular consequence: missense variant.
Genome position (GRCh38, 1-based): chrX:53,383,171, C>T on the plus strand (G>A on the coding strand, the complement: SMC1A is on the minus strand). VCF-style: chrX-53383171-C-T. GRCh37 (hg19) VCF-style: chrX-53410092-C-T.
Other names: c.2990G>A, p.Arg997His (NM_001281463.1); short protein forms R1019H, R997H.
Identifiers: ClinVar variation 2872049 (VCV002872049.3), dbSNP rs1475862879, ClinGen allele CA413245602.